The following is an entry in ClinVar:

ClinVar aggregate classification (germline): Likely benign (1 of 4 stars; one submission).

Submission:

CeGaT Center for Human Genetics Tuebingen
Classification: Likely benign. Last evaluated: 2025-10-01. Review status: criteria provided, single submitter. Criteria: CeGaT Center For Human Genetics Tuebingen Variant Classification Criteria Version 2. Collection method: clinical testing. Allele origin: germline. Affected: yes. Observed: 3 variant alleles.
Comment: UBC: BP4, BP7

NM_021009.7(UBC):c.1587T>C (p.Leu529=)

Gene: UBC (ubiquitin C; minus strand). Cytogenetic location: 12q24.31.
Variant type: single nucleotide variant.
Coding change: c.1587T>C on transcript NM_021009.7 (MANE Select); coding-DNA position 1587, T replaced by C.
Protein change: p.Leu529=; no amino-acid change (leucine 529 retained).
Molecular consequence: synonymous variant.
Genome position (GRCh38, 1-based): chr12:124,912,185, A>G on the plus strand (T>C on the coding strand, the complement: UBC is on the minus strand). VCF-style: chr12-124912185-A-G. GRCh37 (hg19) VCF-style: chr12-125396731-A-G.
Identifiers: ClinVar variation 3388298 (VCV003388298.14).